The following is an entry in ClinVar:

ClinVar aggregate classification (germline): Uncertain significance (1 of 4 stars; one submission).

Allele frequency attached by ClinVar (database versions not stated): gnomAD exomes below 0.00001.
gnomAD v4.1: 2 of 1,614,116 alleles (0.00012%); highest among the groups gnomAD compares: Non-Finnish European, 0.00017%; no homozygotes.

Submission:

GeneDx
Classification: Uncertain significance. Last evaluated: 2022-11-09. Review status: criteria provided, single submitter. Criteria: GeneDx Variant Classification Process June 2021. Collection method: clinical testing. Allele origin: germline. Affected: yes.
Comment: Not observed at significant frequency in large population cohorts (gnomAD); In silico analysis supports that this missense variant has a deleterious effect on protein structure/function; Has not been previously published as pathogenic or benign to our knowledge

NM_000193.4(SHH):c.254T>C (p.Ile85Thr)

Gene: SHH (sonic hedgehog signaling molecule; minus strand). Cytogenetic location: 7q36.3.
Variant type: single nucleotide variant.
Coding change: c.254T>C on transcript NM_000193.4 (MANE Select); coding-DNA position 254, T replaced by C.
Protein change: p.Ile85Thr; replaces isoleucine 85 with threonine.
Molecular consequence: missense variant.
Genome position (GRCh38, 1-based): chr7:155,811,869, A>G on the plus strand (T>C on the coding strand, the complement: SHH is on the minus strand). VCF-style: chr7-155811869-A-G. GRCh37 (hg19) VCF-style: chr7-155604563-A-G.
Other names: short protein forms I85T.
Identifiers: ClinVar variation 2501996 (VCV002501996.1), dbSNP rs2535910325, ClinGen allele CA370151183.